The following is an entry in ClinVar:

ClinVar aggregate classification (germline): Uncertain significance. Review status: criteria provided, multiple submitters, no conflicts (2 of 4 stars). 2 submissions from 2 submitters: Uncertain significance (2). Last evaluated 2020-03-19.

Conditions:
Congenital myotonia, autosomal recessive form. Also called: Becker Generalized Myotonia; BECKER DISEASE; myotonia congenita, autosomal recessive. Identifiers: Orphanet 614, MedGen C0751360, MONDO:0009715, OMIM 255700.
Congenital myotonia, autosomal dominant form (THD). Also called: THOMSEN DISEASE; Myotonia congenita autosomal dominant. Identifiers: Orphanet 614, MedGen C2936781, MONDO:0008055, OMIM 160800.

Submissions (2):

Revvity Omics, Revvity
Classification: Uncertain significance. Last evaluated: 2020-03-19. Review status: criteria provided, single submitter. Criteria: ACMG Guidelines, 2015. Collection method: clinical testing. Allele origin: germline.

Labcorp Genetics (formerly Invitae), Labcorp
Classification: Uncertain significance for Congenital myotonia, autosomal recessive form; Congenital myotonia, autosomal dominant form. Last evaluated: 2018-06-04. Review status: criteria provided, single submitter. Criteria: Invitae Variant Classification Sherloc (09022015). Collection method: clinical testing. Allele origin: germline.
Comment: This sequence change replaces alanine with valine at codon 272 of the CLCN1 protein (p.Ala272Val). The alanine residue is highly conserved and there is a small physicochemical difference between alanine and valine. This variant is not present in population databases (ExAC no frequency). This variant has not been reported in the literature in individuals with CLCN1-related disease. Experimental studies have shown that this missense change alters chloride currents, however, the significance of this finding remains unclear (PMID: 20398785). In summary, the available evidence is currently insufficient to determine the role of this variant in disease. Therefore, it has been classified as a Variant of Uncertain Significance.

Literature cited by the submitters: PubMed 20398785 (cited by Labcorp Genetics (formerly Invitae), Labcorp).

NM_000083.3(CLCN1):c.815C>T (p.Ala272Val)

Gene: CLCN1 (chloride voltage-gated channel 1; plus strand). Cytogenetic location: 7q34.
Variant type: single nucleotide variant.
Coding change: c.815C>T on transcript NM_000083.3 (MANE Select); coding-DNA position 815, C replaced by T.
Protein change: p.Ala272Val; replaces alanine 272 with valine.
Molecular consequence: missense variant. On other transcripts: non-coding transcript variant (1).
Genome position (GRCh38, 1-based): chr7:143,324,454, C>T. VCF-style: chr7-143324454-C-T. GRCh37 (hg19) VCF-style: chr7-143021547-C-T.
Other names: short protein forms A272V.
Identifiers: ClinVar variation 571813 (VCV000571813.11), dbSNP rs1563075892, ClinGen allele CA369687551.